The following is an entry in ClinVar:

NM_013339.4(ALG6):c.470T>G (p.Ile157Ser)

Gene: ALG6 (ALG6 alpha-1,3-glucosyltransferase; plus strand). Cytogenetic location: 1p31.3.
Variant type: single nucleotide variant.
Coding change: c.470T>G on transcript NM_013339.4 (MANE Select); coding-DNA position 470, T replaced by G.
Protein change: p.Ile157Ser; replaces isoleucine 157 with serine.
Molecular consequence: missense variant.
Genome position (GRCh38, 1-based): chr1:63,407,102, T>G. VCF-style: chr1-63407102-T-G. GRCh37 (hg19) VCF-style: chr1-63872773-T-G.
Other names: short protein forms I157S.
Identifiers: ClinVar variation 1430477 (VCV001430477.5), dbSNP rs768049817, ClinGen allele CA340634748.

ClinVar aggregate classification (germline): Uncertain significance (1 of 4 stars; one submission).

Conditions:
ALG6-congenital disorder of glycosylation 1C (CDG1C). Also called: CDG Ic; CARBOHYDRATE-DEFICIENT GLYCOPROTEIN SYNDROME, TYPE I, WITH DEFICIENT GLYCOSYLATION OF DOLICHOL-LINKED OLIGOSACCHARIDE; CARBOHYDRATE-DEFICIENT GLYCOPROTEIN SYNDROME, TYPE V; Congenital disorder of glycosylation, type Ic; Congenital disorder of glycosylation type 1C. Identifiers: Orphanet 79320, MedGen C2930997, MONDO:0011291, OMIM 603147.

Allele frequency attached by ClinVar (database versions not stated): TOPMed below 0.00001; gnomAD 0.00001.
gnomAD v4.1: 16 of 1,609,012 alleles (0.00099%); highest among the groups gnomAD compares: Non-Finnish European, 0.0013%; no homozygotes.

Submission:

Labcorp Genetics (formerly Invitae), Labcorp
Classification: Uncertain significance for ALG6-congenital disorder of glycosylation 1C. Last evaluated: 2021-08-30. Review status: criteria provided, single submitter. Criteria: Invitae Variant Classification Sherloc (09022015). Collection method: clinical testing. Allele origin: germline.
Comment: This sequence change replaces isoleucine with serine at codon 157 of the ALG6 protein (p.Ile157Ser). The isoleucine residue is moderately conserved and there is a large physicochemical difference between isoleucine and serine. This variant is not present in population databases (ExAC no frequency). This variant has not been reported in the literature in individuals affected with ALG6-related conditions. Algorithms developed to predict the effect of missense changes on protein structure and function are either unavailable or do not agree on the potential impact of this missense change (SIFT: "Deleterious"; PolyPhen-2: "Possibly Damaging"; Align-GVGD: "Class C0"). In summary, the available evidence is currently insufficient to determine the role of this variant in disease. Therefore, it has been classified as a Variant of Uncertain Significance.